The following is an entry in ClinVar:

NM_000133.4(F9):c.301C>G (p.Pro101Ala)

Gene: F9 (coagulation factor IX; plus strand). Cytogenetic location: Xq27.1.
Variant type: single nucleotide variant.
Coding change: c.301C>G on transcript NM_000133.4 (MANE Select); coding-DNA position 301, C replaced by G.
Protein change: p.Pro101Ala; replaces proline 101 with alanine.
Molecular consequence: missense variant. On other transcripts: intron variant (1).
Genome position (GRCh38, 1-based): chrX:139,541,099, C>G. VCF-style: chrX-139541099-C-G. GRCh37 (hg19) VCF-style: chrX-138623258-C-G.
Other names: F9, PRO55ALA; P55A; c.301C>G (NM_000133.3); c.277+3713C>G (NM_001313913.2); short protein forms P101A.
Identifiers: ClinVar variation 10578 (VCV000010578.12), dbSNP rs137852232, ClinGen allele CA255326.
Genomic context (GRCh38, chrX:139,541,099, plus strand): 5'-TTTACGTGCCAATTCAATTTCTTAACCTATCTCAAAGATGGAGATCAGTGTGAGTCCAAT[C>G]CATGTTTAAATGGCGGCAGTTGCAAGGATGACATTAATTCCTATGAATGTTGGTGTCCCT-3'
Protein context (NP_000124.1, residues 91-111): YVDGDQCESN[Pro101Ala]CLNGGSCKDD

ClinVar aggregate classification (germline): Pathogenic. Review status: criteria provided, multiple submitters, no conflicts (2 of 4 stars). 4 submissions from 4 submitters: Pathogenic (3). 1 of the submissions does not count toward it. Last evaluated 2025-10-01.

Conditions:
Hereditary factor IX deficiency disease (HEMB). Also called: PLASMA THROMBOPLASTIN COMPONENT DEFICIENCY; Christmas Disease; Hemophilia B; F9 DEFICIENCY; FACTOR IX DEFICIENCY. Identifiers: Orphanet 98879, MedGen C0008533, MeSH D002836, MONDO:0010604, OMIM 306900.
Thrombophilia, X-linked, due to factor 9 defect. Identifiers: MedGen C2749016, MONDO:0010432, OMIM 300807.

Allele frequency attached by ClinVar (database versions not stated): gnomAD 0.00002.
gnomAD v4.1: 2 of 1,195,966 alleles (0.00017%); highest among the groups gnomAD compares: African/African-American, 0.0035%; no homozygotes.

Submissions (4):

Natera, Inc.
Classification: Pathogenic for Hemophilia B. Last evaluated: 2025-10-01. Review status: criteria provided, single submitter. Criteria: Natera Variant Classification Schema (03/2026). Collection method: clinical testing. Allele origin: germline.
Comment: The c.301C>G variant in F9 is a missense variant predicted to cause substitution of proline to alanine at amino acid 101. This variant is rare in the general population with a frequency below the threshold expected for the associated phenotype(s). This variant has been observed in at least one unaffected individual, with a zygosity that is consistent with the inheritance pattern for the associated condition (in gnomAD and/or literature). This variant has been observed in affected individual(s) with monoallelic occurrence (heterozygous/hemizygous) (PMID: 8091381). This variant has been identified in one or more affected individual with a phenotype highly consistent with the associated gene (PMID: 8091381). Functional studies show that this variant may disrupt protein function (PMID: 22872643). Computational prediction algorithms indicate this variant is likely to affect gene or protein function. Given the available evidence, this variant is classified as Pathogenic.

Labcorp Genetics (formerly Invitae), Labcorp
Classification: Pathogenic for Thrombophilia, X-linked, due to factor 9 defect; Hereditary factor IX deficiency disease. Last evaluated: 2025-09-07. Review status: criteria provided, single submitter. Criteria: Invitae Variant Classification Sherloc (09022015). Collection method: clinical testing. Allele origin: germline.
Comment: This sequence change replaces proline, which is neutral and non-polar, with alanine, which is neutral and non-polar, at codon 101 of the F9 protein (p.Pro101Ala). This variant is present in population databases (rs137852232, gnomAD 0.02%). This missense change has been observed in individuals with hemophilia B (PMID: 2066105, 2743975, 19699296, 24375831). This variant is also known as 10415C>G (Pro55Ala). ClinVar contains an entry for this variant (Variation ID: 10578). Invitae Evidence Modeling of protein sequence and biophysical properties (such as structural, functional, and spatial information, amino acid conservation, physicochemical variation, residue mobility, and thermodynamic stability) has been performed for this missense variant. However, the output from this modeling did not meet the statistical confidence thresholds required to predict the impact of this variant on F9 protein function. This variant disrupts the p.Pro101 amino acid residue in F9. Other variant(s) that disrupt this residue have been determined to be pathogenic (PMID: 7937052; internal data). This suggests that this residue is clinically significant, and that variants that disrupt this residue are likely to be disease-causing. For these reasons, this variant has been classified as Pathogenic.

ARUP Laboratories, Molecular Genetics and Genomics, ARUP Laboratories
Classification: Pathogenic. Last evaluated: 2020-12-16. Review status: criteria provided, single submitter. Criteria: ARUP Molecular Germline Variant Investigation Process 2021. Collection method: clinical testing. Allele origin: germline.
Comment: The F9 c.301C>G; p.Pro101Ala variant (rs137852232), also known as p.Pro55Ala, is reported in the literature in multiple individuals affected with mild-to-moderate hemophilia B (see F9 database and references therein, Chavali 2009, Spitzer 1990). Functional analyses demonstrate that individuals with this variant have factor IX activity between 5-12% (F9 database, Chavali 2009). This variant is reported in ClinVar (Variation ID: 0578). This variant is only observed on one allele in the Genome Aggregation Database, indicating it is not a common polymorphism. Additionally, other amino acid substitutions at this codon (p.Pro101Ser, p.Pro101Thr, p.Pro101Arg, p.Pro101Gln, p.Pro101Leu) have been reported in individuals with mild hemophilia B and are considered pathogenic (Green 1991, Miller 2012, Montejo 1999, Ketterling 1993). The proline at codon 101 is highly conserved, and computational analyses predict that this variant is deleterious (REVEL: 0.936). Based on available information, the p.Pro101Ala variant is considered to be pathogenic. References: F9 Variant Database: Chavali S et al. Hemophilia B is a quasi-quantitative condition with certain mutations showing phenotypic plasticity. Genomics. 2009 Dec;94(6):433-7. Green PM et al. Haemophilia B mutations in a complete Swedish population sample: a test of new strategy for the genetic counselling of diseases with high mutational heterogeneity. Br J Haematol. 1991 Jul;78(3):390-7. Ketterling RP et al. Germ-line origins of mutation in families with hemophilia B: the sex ratio varies with the type of mutation. Am J Hum Genet. 1993 Jan;52(1):152-66. Miller CH et al. Hemophilia Inhibitor Research Study Investigators. F8 and F9 mutations in US haemophilia patients: correlation with history of inhibitor and race/ethnicity. Haemophilia. 2012 May;18(3):375-82. Spitzer SG et al. Factor IXHollywood: substitution of Pro55 by Ala in the first epidermal growth factor-like domain. Blood. 1990 Oct 15;76(8):1530-7. Montejo JM et al. Identification of twenty-one new mutations in the factor IX gene by SSCP analysis. Hum Mutat. 1999;13(2):160-5.

OMIM
Classification: Pathogenic for HEMOPHILIA B. Last evaluated: 1989-04-01. Review status: no assertion criteria provided. Collection method: literature only. Allele origin: germline. Not counted in ClinVar's aggregate classification.

Literature cited by the submitters: PubMed 8091381 (cited by Natera, Inc.); PubMed 22872643 (cited by Natera, Inc.); PubMed 2066105 (cited by Labcorp Genetics (formerly Invitae), Labcorp); PubMed 2743975 (cited by Labcorp Genetics (formerly Invitae), Labcorp and OMIM); PubMed 19699296 (cited by Labcorp Genetics (formerly Invitae), Labcorp); PubMed 24375831 (cited by Labcorp Genetics (formerly Invitae), Labcorp); PubMed 7937052 (cited by Labcorp Genetics (formerly Invitae), Labcorp); PubMed 3392024 (cited by OMIM).